The following is an entry in ClinVar:

NM_001370259.2(MEN1):c.237del (p.Val80fs)

Gene: MEN1 (menin 1; minus strand). Cytogenetic location: 11q13.1.
Variant type: Deletion.
Coding change: c.237del on transcript NM_001370259.2 (MANE Select); coding-DNA position 237, one base deleted (C; older notation c.237delC).
Protein change: p.Val80fs; shifts the reading frame from valine 80.
Molecular consequence: frameshift variant.
Genome position (GRCh38, 1-based): chr11:64,809,873, G deleted on the plus strand (C on the coding strand, the reverse complement: MEN1 is on the minus strand); the first of 3 consecutive G bases (chr11:64,809,873-64,809,875); deleting any one gives the same sequence. VCF-style (leftmost placement, unchanged base first): chr11-64809872-CG-C. GRCh37 (hg19) VCF-style: chr11-64577344-CG-C.
Other names: c.237delC (NM_130799.2); c.237del, p.Val80fs (NM_000244.4, NM_001370251.2, NM_001370260.2 and 9 more transcripts); short protein forms V80fs.
Identifiers: ClinVar variation 428022 (VCV000428022.15), dbSNP rs1114167486, ClinGen allele CA475163782.
Genomic context (GRCh38, chr11:64,809,872, plus strand): 5'-CGCCTCGGATCTGGGCGGTGAAGCGGGCATAGAGGGCGGCGATGATAGACAGGTCGGCCA[CG>C]GGAAAGTAGGTGAGGCCGCCAGGCGGGTCGGGGGCGGGGCTGGGCTGGAAGGTGAGCTCG-3'

ClinVar aggregate classification (germline): Pathogenic. Review status: criteria provided, multiple submitters, no conflicts (2 of 4 stars). 2 submissions from 2 submitters: Pathogenic (2). Last evaluated 2024-03-21.

Conditions:
Hereditary cancer-predisposing syndrome. Also called: Hereditary neoplastic syndrome; Tumor predisposition; Neoplastic Syndromes, Hereditary; Hereditary Cancer Syndrome. Identifiers: Orphanet 140162, MedGen C0027672, MeSH D009386, MONDO:0015356.
Multiple endocrine neoplasia, type 1 (MEN1). Also called: MEN I; Endocrine adenomatosis multiple; MEN 1; WERMER SYNDROME; MEA I. Identifiers: Orphanet 652, MedGen C0025267, MeSH D018761, MONDO:0007540, OMIM 131100.

Submissions (2):

Ambry Genetics
Classification: Pathogenic for Hereditary cancer-predisposing syndrome. Last evaluated: 2024-03-21. Review status: criteria provided, single submitter. Criteria: Ambry Variant Classification Scheme 2023. Collection method: clinical testing. Allele origin: germline.
Comment: The c.237delC pathogenic mutation, located in coding exon 1 of the MEN1 gene, results from a deletion of one nucleotide at nucleotide position 237, causing a translational frameshift with a predicted alternate stop codon (p.V80Wfs*39). This variant has been observed in at least one individual with a personal and/or family history that is consistent with multiple endocrine neoplasia type 1 (MEN1) (Ambry internal data). This variant is considered to be rare based on population cohorts in the Genome Aggregation Database (gnomAD). This alteration is expected to result in loss of function by premature protein truncation or nonsense-mediated mRNA decay. As such, this alteration is interpreted as a disease-causing mutation.

Labcorp Genetics (formerly Invitae), Labcorp
Classification: Pathogenic for Multiple endocrine neoplasia, type 1. Last evaluated: 2023-06-09. Review status: criteria provided, single submitter. Criteria: Invitae Variant Classification Sherloc (09022015). Collection method: clinical testing. Allele origin: germline.
Comment: For these reasons, this variant has been classified as Pathogenic. This sequence change creates a premature translational stop signal (p.Val80Trpfs*39) in the MEN1 gene. It is expected to result in an absent or disrupted protein product. Loss-of-function variants in MEN1 are known to be pathogenic (PMID: 12112656, 17853334). This variant is not present in population databases (gnomAD no frequency). This premature translational stop signal has been observed in individual(s) with multiple endocrine neoplasia type I (PMID: 12108687). ClinVar contains an entry for this variant (Variation ID: 428022).

Literature cited by the submitters: PubMed 12112656 (cited by Labcorp Genetics (formerly Invitae), Labcorp); PubMed 17853334 (cited by Labcorp Genetics (formerly Invitae), Labcorp); PubMed 12108687 (cited by Labcorp Genetics (formerly Invitae), Labcorp).